The following is an entry in ClinVar:

NM_000264.5(PTCH1):c.1928C>G (p.Pro643Arg)

Genes: PTCH1 (patched 1; minus strand), LOC100507346 (uncharacterized LOC100507346; plus strand). Cytogenetic location: 9q22.32.
Variant type: single nucleotide variant.
Coding change: c.1928C>G on transcript NM_000264.5 (MANE Select); coding-DNA position 1928, C replaced by G.
Protein change: p.Pro643Arg; replaces proline 643 with arginine.
Molecular consequence: missense variant. On other transcripts: non-coding transcript variant (2).
Genome position (GRCh38, 1-based): chr9:95,469,073, G>C on the plus strand (C>G on the coding strand, the complement: PTCH1 is on the minus strand). VCF-style: chr9-95469073-G-C. GRCh37 (hg19) VCF-style: chr9-98231355-G-C.
Other names: c.1730C>G, p.Pro577Arg (NM_001083602.3); c.1925C>G, p.Pro642Arg (NM_001083603.3); c.1475C>G, p.Pro492Arg (NM_001083604.3, NM_001083605.3, NM_001083606.3 and 1 more transcripts); c.1772C>G, p.Pro591Arg (NM_001354918.2); short protein forms P642R, P643R, P591R, P492R, P577R.
Identifiers: ClinVar variation 1782800 (VCV001782800.7), dbSNP rs1165662230, ClinGen allele CA374116029.

ClinVar aggregate classification (germline): Uncertain significance. Review status: criteria provided, multiple submitters, no conflicts (2 of 4 stars). 2 submissions from 2 submitters: Uncertain significance (2). Last evaluated 2025-10-06.

Conditions:
Hereditary cancer-predisposing syndrome. Also called: Tumor predisposition; Neoplastic Syndromes, Hereditary; Hereditary Cancer Syndrome; Hereditary neoplastic syndrome. Identifiers: Orphanet 140162, MedGen C0027672, MeSH D009386, MONDO:0015356.
Gorlin syndrome. Also called: Nevoid Basal Cell Carcinoma Syndrome; Basal cell nevus syndrome. Identifiers: Orphanet 377, MedGen C0004779, MONDO:0007187.

Allele frequency attached by ClinVar (database versions not stated): gnomAD exomes below 0.00001.
gnomAD v4.1: 3 of 1,614,126 alleles (0.00019%); highest among the groups gnomAD compares: Non-Finnish European, 0.00025%; no homozygotes.

Submissions (2):

Labcorp Genetics (formerly Invitae), Labcorp
Classification: Uncertain significance for Gorlin syndrome. Last evaluated: 2025-10-06. Review status: criteria provided, single submitter. Criteria: Invitae Variant Classification Sherloc (09022015). Collection method: clinical testing. Allele origin: germline.
Comment: This sequence change replaces proline, which is neutral and non-polar, with arginine, which is basic and polar, at codon 643 of the PTCH1 protein (p.Pro643Arg). This variant is not present in population databases (gnomAD no frequency). This variant has not been reported in the literature in individuals affected with PTCH1-related conditions. ClinVar contains an entry for this variant (Variation ID: 1782800). Invitae Evidence Modeling of protein sequence and biophysical properties (such as structural, functional, and spatial information, amino acid conservation, physicochemical variation, residue mobility, and thermodynamic stability) indicates that this missense variant is not expected to disrupt PTCH1 protein function with a negative predictive value of 95%. In summary, the available evidence is currently insufficient to determine the role of this variant in disease. Therefore, it has been classified as a Variant of Uncertain Significance.

Ambry Genetics
Classification: Uncertain significance for Hereditary cancer-predisposing syndrome. Last evaluated: 2023-10-12. Review status: criteria provided, single submitter. Criteria: Ambry Variant Classification Scheme 2023. Collection method: clinical testing. Allele origin: germline.
Comment: The p.P643R variant (also known as c.1928C>G), located in coding exon 14 of the PTCH1 gene, results from a C to G substitution at nucleotide position 1928. The proline at codon 643 is replaced by arginine, an amino acid with dissimilar properties. This amino acid position is highly conserved in available vertebrate species. In addition, the in silico prediction for this alteration is inconclusive. Since supporting evidence is limited at this time, the clinical significance of this alteration remains unclear.